The following is an entry in ClinVar:

NM_001267550.2(TTN):c.83876T>C (p.Ile27959Thr)

Genes: TTN (titin; minus strand), TTN-AS1 (TTN antisense RNA 1; plus strand). Cytogenetic location: 2q31.2.
Variant type: single nucleotide variant.
Coding change: c.83876T>C on transcript NM_001267550.2 (MANE Select); coding-DNA position 83876, T replaced by C.
Protein change: p.Ile27959Thr; replaces isoleucine 27959 with threonine.
Molecular consequence: missense variant.
Genome position (GRCh38, 1-based): chr2:178,562,256, A>G on the plus strand (T>C on the coding strand, the complement: TTN is on the minus strand). VCF-style: chr2-178562256-A-G. GRCh37 (hg19) VCF-style: chr2-179426983-A-G.
Other names: c.78953T>C, p.Ile26318Thr (NM_001256850.1); c.56681T>C, p.Ile18894Thr (NM_003319.4); c.76172T>C, p.Ile25391Thr (NM_133378.4); c.57056T>C, p.Ile19019Thr (NM_133432.3); c.57257T>C, p.Ile19086Thr (NM_133437.4); short protein forms I18894T, I19019T, I19086T, I25391T, I26318T, I27959T.
Identifiers: ClinVar variation 4076451 (VCV004076451.1), dbSNP rs1447666602.

ClinVar aggregate classification (germline): Likely benign (1 of 4 stars; one submission).

gnomAD v4.1: 2 of 1,613,298 alleles (0.00012%); highest among the groups gnomAD compares: African/African-American, 0.0013%; no homozygotes.

Submission:

Molecular Diagnostic Laboratory for Inherited Cardiovascular Disease, Montreal Heart Institute
Classification: Likely benign. Last evaluated: 2025-07-24. Review status: criteria provided, single submitter. Criteria: ACMG Guidelines, 2015. Collection method: clinical testing. Allele origin: germline. Affected: no.
Comment: BP1